The following is an entry in ClinVar:

NM_000540.3(RYR1):c.13874A>G (p.Asp4625Gly)

Gene: RYR1 (ryanodine receptor 1; plus strand). Cytogenetic location: 19q13.2.
Variant type: single nucleotide variant.
Coding change: c.13874A>G on transcript NM_000540.3 (MANE Select); coding-DNA position 13874, A replaced by G.
Protein change: p.Asp4625Gly; replaces aspartic acid 4625 with glycine.
Molecular consequence: missense variant.
Genome position (GRCh38, 1-based): chr19:38,572,146, A>G. VCF-style: chr19-38572146-A-G. GRCh37 (hg19) VCF-style: chr19-39062786-A-G.
Other names: c.13859A>G, p.Asp4620Gly (NM_001042723.2); c.13874A>G (NM_000540.2); short protein forms D4620G, D4625G.
Identifiers: ClinVar variation 1404669 (VCV001404669.8), dbSNP rs748287480, ClinGen allele CA060624.
Genomic context (GRCh38, chr19:38,572,146, plus strand): 5'-GCTCTGGTGGCAGCTCTGGCTGGGGCTTGGGGGCCGGAGAGGAGGCAGAGGGCGATGAGG[A>G]TGAGAACATGGTGTACTACTTCCTGGAGGAAAGCACAGGCTACATGGAACCCGCCCTGCG-3'
Protein context (NP_000531.2, residues 4615-4635): GAGEEAEGDE[Asp4625Gly]ENMVYYFLEE

ClinVar aggregate classification (germline): Uncertain significance. Review status: criteria provided, multiple submitters, no conflicts (2 of 4 stars). 3 submissions from 3 submitters: Uncertain significance (3). Last evaluated 2026-07-06.

Conditions:
RYR1-related disorder. Also called: RYR1-related condition; RYR1-related disorders. Identifiers: MedGen CN239331.
Inborn genetic diseases. Identifiers: MedGen C0950123, MeSH D030342.
Malignant hyperthermia, susceptibility to, 1 (MHS1). Also called: RYR1-Related Malignant Hyperthermia Susceptibility; Anesthesia related hyperthermia; Malignant hyperpyrexia; Fulminating hyperpyrexia; Pharmacogenic myopathy; Malignant hyperthermia suceptibility 1. Identifiers: Orphanet 423, MedGen C2930980, MONDO:0007783, OMIM 145600.

Allele frequency attached by ClinVar (database versions not stated): ExAC 0.00001; gnomAD 0.00001; gnomAD exomes 0.00003 and 0.00001; TOPMed 0.00001.
gnomAD v4.1: 40 of 1,613,658 alleles (0.0025%); highest among the groups gnomAD compares: Non-Finnish European, 0.0033%; no homozygotes.

Submissions (3):

Ambry Genetics
Classification: Uncertain significance for Inborn genetic diseases. Last evaluated: 2026-07-06. Review status: criteria provided, single submitter. Criteria: Ambry Variant Classification Scheme 2023. Collection method: clinical testing. Allele origin: germline.
Comment: The p.D4625G variant (also known as c.13874A>G), located in coding exon 95 of the RYR1 gene, results from an A to G substitution at nucleotide position 13874. The aspartic acid at codon 4625 is replaced by glycine, an amino acid with similar properties. This amino acid position is conserved. In addition, the in silico prediction for this alteration is inconclusive. Based on the available evidence, the clinical significance of this variant remains unclear.

All of Us Research Program, National Institutes of Health
Classification: Uncertain significance for Malignant hyperthermia, susceptibility to, 1. Last evaluated: 2024-07-20. Review status: criteria provided, single submitter. Criteria: ACMG Guidelines, 2015. Collection method: clinical testing. Allele origin: germline. Inheritance: Autosomal dominant inheritance. Observed: 3 variant alleles, 3 heterozygotes.
Comment: This missense variant replaces aspartic acid with glycine at codon 4625 of the RYR1 protein. Computational prediction is inconclusive regarding the impact of this variant on protein structure and function (internally defined REVEL score threshold 0.5 < inconclusive < 0.7, PMID: 27666373). To our knowledge, functional studies have not been reported for this variant. This variant has not been reported in individuals affected with RYR1-related disorders in the literature. This variant has been identified in 3/251468 chromosomes in the general population by the Genome Aggregation Database (gnomAD). The available evidence is insufficient to determine the role of this variant in disease conclusively. Therefore, this variant is classified as a Variant of Uncertain Significance.

This study involves interpretation of variants in research participants for the purpose of population health screening. Participant phenotype was not available at the time of variant classification. Additional details can be found in publication PMID: 35346344, PMCID: PMC8962531

Labcorp Genetics (formerly Invitae), Labcorp
Classification: Uncertain significance for RYR1-related disorder. Last evaluated: 2022-08-10. Review status: criteria provided, single submitter. Criteria: Invitae Variant Classification Sherloc (09022015). Collection method: clinical testing. Allele origin: germline.
Comment: This sequence change replaces aspartic acid, which is acidic and polar, with glycine, which is neutral and non-polar, at codon 4625 of the RYR1 protein (p.Asp4625Gly). This variant is present in population databases (rs748287480, gnomAD 0.003%). This variant has not been reported in the literature in individuals affected with RYR1-related conditions. ClinVar contains an entry for this variant (Variation ID: 1404669). Advanced modeling of protein sequence and biophysical properties (such as structural, functional, and spatial information, amino acid conservation, physicochemical variation, residue mobility, and thermodynamic stability) performed at Invitae indicates that this missense variant is not expected to disrupt RYR1 protein function. Algorithms developed to predict the effect of sequence changes on RNA splicing suggest that this variant may create or strengthen a splice site. In summary, the available evidence is currently insufficient to determine the role of this variant in disease. Therefore, it has been classified as a Variant of Uncertain Significance.